The following is an entry in ClinVar:

ClinVar aggregate classification (germline): Uncertain significance (1 of 4 stars; one submission).

Conditions:
Orofacial cleft 11 (OFC11). Also called: Orofacial cleft 11; ofc11; CLEFT LIP WITH OR WITHOUT CLEFT PALATE, NONSYNDROMIC, 11. Identifiers: MedGen C2677434, MONDO:0010906, OMIM 600625.
Microphthalmia with brain and digit anomalies (MCOPS6). Also called: Microphthalmia, syndromic 6; MICROPHTHALMIA AND PITUITARY ANOMALIES. Identifiers: Orphanet 139471, MedGen C1864689, MONDO:0011936, OMIM 607932.

gnomAD v4.1: 2 of 1,614,266 alleles (0.00012%); highest among the groups gnomAD compares: East Asian, 0.0022%; no homozygotes.

Submission:

Labcorp Genetics (formerly Invitae), Labcorp
Classification: Uncertain significance for Microphthalmia with brain and digit anomalies; Orofacial cleft 11. Last evaluated: 2024-02-14. Review status: criteria provided, single submitter. Criteria: Invitae Variant Classification Sherloc (09022015). Collection method: clinical testing. Allele origin: germline.
Comment: This sequence change replaces alanine, which is neutral and non-polar, with threonine, which is neutral and polar, at codon 334 of the BMP4 protein (p.Ala334Thr). This variant is not present in population databases (gnomAD no frequency). This variant has not been reported in the literature in individuals affected with BMP4-related conditions. Advanced modeling of protein sequence and biophysical properties (such as structural, functional, and spatial information, amino acid conservation, physicochemical variation, residue mobility, and thermodynamic stability) has been performed at Invitae for this missense variant, however the output from this modeling did not meet the statistical confidence thresholds required to predict the impact of this variant on BMP4 protein function. In summary, the available evidence is currently insufficient to determine the role of this variant in disease. Therefore, it has been classified as a Variant of Uncertain Significance.

NM_001202.6(BMP4):c.1000G>A (p.Ala334Thr)

Gene: BMP4 (bone morphogenetic protein 4; minus strand). Cytogenetic location: 14q22.2.
Variant type: single nucleotide variant.
Coding change: c.1000G>A on transcript NM_001202.6 (MANE Select); coding-DNA position 1000, G replaced by A.
Protein change: p.Ala334Thr; replaces alanine 334 with threonine.
Molecular consequence: missense variant.
Genome position (GRCh38, 1-based): chr14:53,950,259, C>T on the plus strand (G>A on the coding strand, the complement: BMP4 is on the minus strand). VCF-style: chr14-53950259-C-T. GRCh37 (hg19) VCF-style: chr14-54416977-C-T.
Other names: c.1141G>A, p.Ala381Thr (NM_001347912.1); c.811G>A, p.Ala271Thr (NM_001347913.2, NM_001347915.2, NM_001347917.1); c.1000G>A, p.Ala334Thr (NM_001347914.2, NM_001347916.1, NM_130850.5 and 1 more transcripts); short protein forms A271T, A334T, A381T.
Identifiers: ClinVar variation 3759751 (VCV003759751.2).